The following is an entry in ClinVar:

ClinVar aggregate classification (germline): Benign. Review status: criteria provided, multiple submitters, no conflicts (2 of 4 stars). 5 submissions from 5 submitters: Benign (4). 1 of the submissions does not count toward it. Last evaluated 2021-11-07.

Conditions:
Mucopolysaccharidosis, MPS-IV-A (MPS4A). Also called: Mucopolysaccharidosis type IV A; Mucopolysaccharidosis Type IVA; GALACTOSAMINE-6-SULFATASE DEFICIENCY; GALNS DEFICIENCY; MORQUIO A DISEASE; mucopolysaccharidosis type 4A. Identifiers: Orphanet 309297, Orphanet 582, MedGen C0086651, MONDO:0009659, OMIM 253000.

Allele frequency attached by ClinVar (database versions not stated): 1000 Genomes Project 30x 0.04201; 1000 Genomes Project 0.04293; gnomAD 0.04917 and 0.05011; TOPMed 0.05044; ExAC 0.05170; gnomAD exomes 0.05192 and 0.05552; ESP Exome Variant Server 0.05309.
gnomAD v4.1: 88,789 of 1,613,532 alleles (5.5%); highest among the groups gnomAD compares: Middle Eastern, 11%; 2,915 homozygotes.

Submissions (5):

Genome-Nilou Lab
Classification: Benign for Mucopolysaccharidosis, MPS-IV-A. Last evaluated: 2021-11-07. Review status: criteria provided, single submitter. Criteria: ACMG Guidelines, 2015. Collection method: clinical testing. Allele origin: germline. Affected: no.

GeneDx
Classification: Benign. Last evaluated: 2018-06-18. Review status: criteria provided, single submitter. Criteria: GeneDx Variant Classification (06012015). Collection method: clinical testing. Allele origin: germline. Affected: yes.
Comment: This variant is considered likely benign or benign based on one or more of the following criteria: it is a conservative change, it occurs at a poorly conserved position in the protein, it is predicted to be benign by multiple in silico algorithms, and/or has population frequency not consistent with disease.

Breakthrough Genomics
Classification: Benign. Review status: criteria provided, single submitter. Criteria: ACMG Guidelines, 2015. Collection method: not provided. Allele origin: germline. Inheritance: Autosomal recessive inheritance. Affected: yes.

PreventionGenetics, part of Exact Sciences
Classification: Benign. Review status: criteria provided, single submitter. Criteria: ACMG Guidelines, 2015. Collection method: clinical testing. Allele origin: germline.

Mayo Clinic Laboratories, Mayo Clinic
Classification: Benign. Last evaluated: 2017-04-24. Review status: no assertion criteria provided. Collection method: clinical testing. Allele origin: unknown. Not counted in ClinVar's aggregate classification.

NM_000512.5(GALNS):c.758+22C>T

Gene: GALNS (galactosamine (N-acetyl)-6-sulfatase; minus strand). Cytogenetic location: 16q24.3.
Variant type: single nucleotide variant.
Coding change: c.758+22C>T on transcript NM_000512.5 (MANE Select); 22 bases into the intron after coding-DNA position 758, C replaced by T.
Molecular consequence: intron variant.
Genome position (GRCh38, 1-based): chr16:88,835,703, G>A on the plus strand (C>T on the coding strand, the complement: GALNS is on the minus strand). VCF-style: chr16-88835703-G-A. GRCh37 (hg19) VCF-style: chr16-88902111-G-A.
Other names: c.203+22C>T (NM_001323543.2); c.776+22C>T (NM_001323544.2).
Identifiers: ClinVar variation 256336 (VCV000256336.9), dbSNP rs78317153, ClinGen allele CA8234996.